The following is an entry in ClinVar:

ClinVar aggregate classification (germline): Pathogenic (1 of 4 stars; one submission).

Allele frequency attached by ClinVar (database versions not stated): gnomAD exomes 0.00002; TOPMed 0.00002; gnomAD 0.00004.
gnomAD v4.1: 27 of 1,558,704 alleles (0.0017%); highest among the groups gnomAD compares: Non-Finnish European, 0.0022%; no homozygotes.

Submission:

Labcorp Genetics (formerly Invitae), Labcorp
Classification: Pathogenic. Last evaluated: 2023-06-19. Review status: criteria provided, single submitter. Criteria: Invitae Variant Classification Sherloc (09022015). Collection method: clinical testing. Allele origin: germline.
Comment: For these reasons, this variant has been classified as Pathogenic. Variants that disrupt the consensus splice site are a relatively common cause of aberrant splicing (PMID: 17576681, 9536098). Algorithms developed to predict the effect of sequence changes on RNA splicing suggest that this variant may disrupt the consensus splice site. ClinVar contains an entry for this variant (Variation ID: 2418284). Disruption of this splice site has been observed in individual(s) with deafness (Invitae). It has also been observed to segregate with disease in related individuals. This variant is present in population databases (no rsID available, gnomAD 0.02%). This sequence change affects an acceptor splice site in intron 3 of the TMIE gene. While this variant is not anticipated to result in nonsense mediated decay, it likely alters RNA splicing and results in a disrupted protein product.

Literature cited by the submitters: PubMed 17576681; PubMed 9536098.

NM_147196.3(TMIE):c.362-2A>G

Gene: TMIE (transmembrane inner ear; plus strand). Cytogenetic location: 3p21.31.
Variant type: single nucleotide variant.
Coding change: c.362-2A>G on transcript NM_147196.3 (MANE Select); the canonical splice acceptor site of the intron before coding-DNA position 362, A replaced by G.
Molecular consequence: splice acceptor variant.
Genome position (GRCh38, 1-based): chr3:46,709,577, A>G. VCF-style: chr3-46709577-A-G. GRCh37 (hg19) VCF-style: chr3-46751067-A-G.
Other names: c.203-2A>G (NM_001370524.1, NM_001370525.1).
Identifiers: ClinVar variation 2418284 (VCV002418284.7), dbSNP rs1180780309, ClinGen allele CA352481244.